The following is an entry in ClinVar:

NM_000492.4(CFTR):c.148T>C (p.Ser50Pro)

Gene: CFTR (CF transmembrane conductance regulator; plus strand). Cytogenetic location: 7q31.2.
Variant type: single nucleotide variant.
Coding change: c.148T>C on transcript NM_000492.4 (MANE Select); coding-DNA position 148, T replaced by C.
Protein change: p.Ser50Pro; replaces serine 50 with proline.
Molecular consequence: missense variant.
Genome position (GRCh38, 1-based): chr7:117,504,347, T>C. VCF-style: chr7-117504347-T-C. GRCh37 (hg19) VCF-style: chr7-117144401-T-C.
Other names: short protein forms S50P.
Identifiers: ClinVar variation 53266 (VCV000053266.10), dbSNP rs397508217, ClinGen allele CA326503.

ClinVar aggregate classification (germline): Pathogenic/Likely pathogenic. Review status: criteria provided, multiple submitters, no conflicts (2 of 4 stars). 3 submissions from 3 submitters: Pathogenic (2); Likely pathogenic (1). Last evaluated 2024-08-25.

Conditions:
Cystic fibrosis (CF). Also called: MUCOVISCIDOSIS. Identifiers: Orphanet 586, MedGen C0010674, MONDO:0009061, OMIM 219700. Disease mechanism: loss of function.

Submissions (3):

Dasa
Classification: Likely pathogenic. Last evaluated: 2024-08-25. Review status: criteria provided, single submitter. Criteria: DASA Assertion Criteria. Collection method: clinical testing. Allele origin: germline.
Comment: NM_000492.4(CFTR):c.148T>C (p.Ser50Pro) is a missense variant that results in the substitution of serine with proline. The affected residue or protein region has prior evidence supporting clinical relevance. This variant has been recurrently observed in individuals with CFTR-related disorders (PMID: 10875853; PMID: 25697318). Functional evidence supports an impact on the gene or gene product. Also, this variant is absent from population databases. Computational evidence supports a deleterious effect. Based on the currently available evidence, this variant is classified as likely pathogenic.

Labcorp Genetics (formerly Invitae), Labcorp
Classification: Pathogenic for Cystic fibrosis. Last evaluated: 2024-07-29. Review status: criteria provided, single submitter. Criteria: Invitae Variant Classification Sherloc (09022015). Collection method: clinical testing. Allele origin: germline.
Comment: This sequence change replaces serine, which is neutral and polar, with proline, which is neutral and non-polar, at codon 50 of the CFTR protein (p.Ser50Pro). This variant is not present in population databases (gnomAD no frequency). This missense change has been observed in individual(s) with congenital bilateral absence of the vas deferens (CBAVD) and cystic fibrosis (PMID: 10612827, 10875853, 25697318; Invitae). In at least one individual the data is consistent with being in trans (on the opposite chromosome) from a pathogenic variant. ClinVar contains an entry for this variant (Variation ID: 53266). Advanced modeling of protein sequence and biophysical properties (such as structural, functional, and spatial information, amino acid conservation, physicochemical variation, residue mobility, and thermodynamic stability) performed at Invitae indicates that this missense variant is expected to disrupt CFTR protein function with a positive predictive value of 80%. Experimental studies have shown that this missense change affects CFTR function (PMID: 18306312). For these reasons, this variant has been classified as Pathogenic.

CFTR-France
Classification: Pathogenic for cystic fibrosis. Last evaluated: 2015-07-03. Review status: criteria provided, single submitter. Criteria: Claustres M et al. (Hum Mutat 2017). Collection method: curation. Allele origin: germline. Affected: yes.

Literature cited by the submitters: PubMed 10875853 (cited by Dasa and Labcorp Genetics (formerly Invitae), Labcorp); PubMed 25697318 (cited by Dasa and Labcorp Genetics (formerly Invitae), Labcorp); PubMed 10612827 (cited by Labcorp Genetics (formerly Invitae), Labcorp); PubMed 18306312 (cited by Labcorp Genetics (formerly Invitae), Labcorp).